The following is an entry in ClinVar:

NM_000170.3(GLDC):c.2839-2A>C

Gene: GLDC (glycine decarboxylase; minus strand). Cytogenetic location: 9p24.1.
Variant type: single nucleotide variant.
Coding change: c.2839-2A>C on transcript NM_000170.3 (MANE Select); the canonical splice acceptor site of the intron before coding-DNA position 2839, A replaced by C.
Molecular consequence: splice acceptor variant.
Genome position (GRCh38, 1-based): chr9:6,534,790, T>G on the plus strand (A>C on the coding strand, the complement: GLDC is on the minus strand). VCF-style: chr9-6534790-T-G. GRCh37 (hg19) VCF-style: chr9-6534790-T-G.
Identifiers: ClinVar variation 4817861 (VCV004817861.1).

ClinVar aggregate classification (germline): Likely pathogenic (1 of 4 stars; one submission).

Conditions:
Glycine encephalopathy. Also called: Nonketotic hyperglycinemia; Non-ketotic hyperglycinemia. Identifiers: Orphanet 407, MedGen C0751748, MONDO:0011612, HP:0008288.

Submission:

Natera, Inc.
Classification: Likely pathogenic for Non-ketotic hyperglycinemia. Last evaluated: 2024-03-19. Review status: criteria provided, single submitter. Criteria: Natera Variant Classification Schema (03/2026). Collection method: clinical testing. Allele origin: germline.
Comment: The c.2839-2A>C variant in GLDC is a canonical splice acceptor site variant predicted to affect pre-mRNA splicing, which may result in an abnormal transcript and altered protein product. This variant is expected to result in nonsense mediated decay, truncation, or a dysfunctional protein product. This variant is rare in the general population with a frequency below the threshold expected for the associated phenotype(s). Given the available evidence, this variant is classified as Likely Pathogenic.